The following is an entry in ClinVar:

ClinVar aggregate classification (germline): Likely pathogenic. Review status: criteria provided, multiple submitters, no conflicts (2 of 4 stars). 5 submissions from 5 submitters: Likely pathogenic (4). 1 of the submissions does not count toward it. Last evaluated 2026-06-25.

Conditions:
Mucopolysaccharidosis, MPS-III-B (MPS3B). Also called: MPS III B; MPS IIIB (Sanfilippo Syndrome Type B); N-ACETYL-ALPHA-D-GLUCOSAMINIDASE DEFICIENCY; NAGLU DEFICIENCY; SANFILIPPO SYNDROME B; Mucopolysaccharidosis type IIIB (Sanfilippo B). Identifiers: Orphanet 79270, MedGen C0086648, MONDO:0009656, OMIM 252920.
Charcot-Marie-Tooth disease axonal type 2V. Also called: CHARCOT-MARIE-TOOTH NEUROPATHY, TYPE 2V; CHARCOT-MARIE-TOOTH DISEASE, AXONAL, AUTOSOMAL DOMINANT, TYPE 2V. Identifiers: Orphanet 447964, MedGen C5569050, MONDO:0014665, OMIM 616491.

Allele frequency attached by ClinVar (database versions not stated): gnomAD exomes below 0.00001; TOPMed below 0.00001; ExAC 0.00001.

Submissions (5):

Myriad Genetics, Inc.
Classification: Likely pathogenic for Mucopolysaccharidosis, MPS-III-B. Last evaluated: 2026-06-25. Review status: criteria provided, single submitter. Criteria: Myriad Autosomal Dominant, Autosomal Recessive and X-Linked Classification Criteria (2023). Collection method: clinical testing. Allele origin: unknown.
Comment: NM_000263.3(NAGLU):c.680A>C(H227P) is a missense variant classified as likely pathogenic in the context of mucopolysaccharidosis type IIIB. H227P has been observed in cases with relevant disease (PMID: 10094189, 41812850). Relevant functional assessments of this variant are available in the literature (PMID: 29979746). Internal structural analysis of the variant is supportive of pathogenicity. H227P has not been observed in referenced population frequency databases. In summary, NM_000263.3(NAGLU):c.680A>C(H227P) is a missense variant that has both functional and internal structural support for pathogenicity and has been observed more frequently in cases with the relevant disease than in healthy populations. Please note: this variant was assessed in the context of healthy population screening.

Fulgent Genetics
Classification: Likely pathogenic for Mucopolysaccharidosis, MPS-III-B; Charcot-Marie-Tooth disease axonal type 2V. Last evaluated: 2024-05-08. Review status: criteria provided, single submitter. Criteria: ACMG Guidelines, 2015. Collection method: clinical testing. Allele origin: germline.

Women's Health and Genetics/Laboratory Corporation of America, LabCorp
Classification: Likely pathogenic for Mucopolysaccharidosis, MPS-III-B. Last evaluated: 2023-09-01. Review status: criteria provided, single submitter. Criteria: LabCorp Variant Classification Summary - May 2015. Collection method: clinical testing. Allele origin: germline.
Comment: Variant summary: NAGLU c.680A>C (p.His227Pro) results in a non-conservative amino acid change in the encoded protein sequence. Four of five in-silico tools predict a damaging effect of the variant on protein function. Consensus agreement among computation tools predict no significant impact on normal splicing. However, these predictions have yet to be confirmed by functional studies. The variant allele was found at a frequency of 4e-06 in 251014 control chromosomes (gnomAD). c.680A>C has been reported in the literature as a compound heterozygous genotype in an individual affected with attenuated Mucopolysaccharidosis Type IIIB (Sanfilippo Syndrome B) (Weber_1999). Experimental evidence evaluating an impact on protein function in vitro found that the variant results in <10% of normal activity (Clark_2018). The following publications have been ascertained in the context of this evaluation (PMID: 29979746, 10094189). Two submitters have cited clinical-significance assessments for this variant to ClinVar after 2014. One submitter classified the variant as likely pathogenic, and one submitter classified the variant as uncertain significance. Based on the evidence outlined above, the variant was classified as likely pathogenic.

CeGaT Center for Human Genetics Tuebingen
Classification: Likely pathogenic. Last evaluated: 2019-11-01. Review status: criteria provided, single submitter. Criteria: CeGaT Center For Human Genetics Tuebingen Variant Classification Criteria Version 2. Collection method: clinical testing. Allele origin: germline. Affected: yes. Observed: 1 variant allele.

Counsyl
Classification: Uncertain significance for Mucopolysaccharidosis, MPS-III-B. Last evaluated: 2017-07-14. Review status: no assertion criteria provided. Collection method: clinical testing. Allele origin: unknown. Not counted in ClinVar's aggregate classification.

Literature cited by the submitters: PubMed 10094189 (cited by 3 submitters); PubMed 29979746 (cited by Myriad Genetics, Inc. and Women's Health and Genetics/Laboratory Corporation of America, LabCorp); PubMed 41812850 (cited by Myriad Genetics, Inc.).

NM_000263.4(NAGLU):c.680A>C (p.His227Pro)

Gene: NAGLU (N-acetyl-alpha-glucosaminidase; plus strand). Cytogenetic location: 17q21.2.
Variant type: single nucleotide variant.
Coding change: c.680A>C on transcript NM_000263.4 (MANE Select); coding-DNA position 680, A replaced by C.
Protein change: p.His227Pro; replaces histidine 227 with proline.
Molecular consequence: missense variant.
Genome position (GRCh38, 1-based): chr17:42,538,671, A>C. VCF-style: chr17-42538671-A-C. GRCh37 (hg19) VCF-style: chr17-40690689-A-C.
Other names: short protein forms H227P.
Identifiers: ClinVar variation 552878 (VCV000552878.47), dbSNP rs747155746, ClinGen allele CA8576831.